The following is an entry in ClinVar:

NM_004341.5(CAD):c.3326G>A (p.Arg1109His)

Gene: CAD (carbamoyl-phosphate synthetase 2, aspartate transcarbamylase, and dihydroorotase; plus strand). Cytogenetic location: 2p23.3.
Variant type: single nucleotide variant.
Coding change: c.3326G>A on transcript NM_004341.5 (MANE Select); coding-DNA position 3326, G replaced by A.
Protein change: p.Arg1109His; replaces arginine 1109 with histidine.
Molecular consequence: missense variant.
Genome position (GRCh38, 1-based): chr2:27,233,735, G>A. VCF-style: chr2-27233735-G-A. GRCh37 (hg19) VCF-style: chr2-27456603-G-A.
Other names: c.3137G>A, p.Arg1046His (NM_001306079.2); short protein forms R1109H, R1046H.
Identifiers: ClinVar variation 1405047 (VCV001405047.1), dbSNP rs1436443611, ClinGen allele CA346215298.

ClinVar aggregate classification (germline): Uncertain significance (1 of 4 stars; one submission).

Allele frequency attached by ClinVar (database versions not stated): gnomAD exomes below 0.00001 and 0.00001; TOPMed 0.00001.
gnomAD v4.1: 14 of 1,613,984 alleles (0.00087%); highest among the groups gnomAD compares: East Asian, 0.0022%; no homozygotes.

Submission:

Labcorp Genetics (formerly Invitae), Labcorp
Classification: Uncertain significance. Last evaluated: 2021-08-15. Review status: criteria provided, single submitter. Criteria: Invitae Variant Classification Sherloc (09022015). Collection method: clinical testing. Allele origin: germline.
Comment: This sequence change replaces arginine with histidine at codon 1109 of the CAD protein (p.Arg1109His). The arginine residue is weakly conserved and there is a small physicochemical difference between arginine and histidine. This variant is not present in population databases (ExAC no frequency). This variant has not been reported in the literature in individuals affected with CAD-related conditions. Algorithms developed to predict the effect of missense changes on protein structure and function are either unavailable or do not agree on the potential impact of this missense change (SIFT: "Tolerated"; PolyPhen-2: "Possibly Damaging"; Align-GVGD: "Class C0"). In summary, the available evidence is currently insufficient to determine the role of this variant in disease. Therefore, it has been classified as a Variant of Uncertain Significance.